The following is an entry in ClinVar:

ClinVar aggregate classification (germline): Uncertain significance (1 of 4 stars; one submission).

Conditions:
Glycogen storage disease type III (GSD3). Also called: Cori disease; FORBES DISEASE. Identifiers: Orphanet 366, MedGen C0017922, MONDO:0009291, OMIM 232400.

Allele frequency attached by ClinVar (database versions not stated): gnomAD exomes 0.00001 and below 0.00001; ExAC 0.00001.
gnomAD v4.1: 3 of 1,613,764 alleles (0.00019%); highest among the groups gnomAD compares: East Asian, 0.0022%; no homozygotes.

Submission:

Labcorp Genetics (formerly Invitae), Labcorp
Classification: Uncertain significance for Glycogen storage disease type III. Last evaluated: 2024-12-02. Review status: criteria provided, single submitter. Criteria: Invitae Variant Classification Sherloc (09022015). Collection method: clinical testing. Allele origin: germline.
Comment: This sequence change replaces tyrosine, which is neutral and polar, with histidine, which is basic and polar, at codon 551 of the AGL protein (p.Tyr551His). This variant is present in population databases (rs748270013, gnomAD 0.0009%). This variant has not been reported in the literature in individuals affected with AGL-related conditions. ClinVar contains an entry for this variant (Variation ID: 1472987). Invitae Evidence Modeling of protein sequence and biophysical properties (such as structural, functional, and spatial information, amino acid conservation, physicochemical variation, residue mobility, and thermodynamic stability) indicates that this missense variant is expected to disrupt AGL protein function with a positive predictive value of 80%. In summary, the available evidence is currently insufficient to determine the role of this variant in disease. Therefore, it has been classified as a Variant of Uncertain Significance.

NM_000642.3(AGL):c.1651T>C (p.Tyr551His)

Gene: AGL (amylo-alpha-1,6-glucosidase and 4-alpha-glucanotransferase; plus strand). Cytogenetic location: 1p21.2.
Variant type: single nucleotide variant.
Coding change: c.1651T>C on transcript NM_000642.3 (MANE Select); coding-DNA position 1651, T replaced by C.
Protein change: p.Tyr551His; replaces tyrosine 551 with histidine.
Molecular consequence: missense variant.
Genome position (GRCh38, 1-based): chr1:99,879,962, T>C. VCF-style: chr1-99879962-T-C. GRCh37 (hg19) VCF-style: chr1-100345518-T-C.
Other names: c.1651T>C, p.Tyr551His (NM_000028.3, NM_000643.3, NM_000644.3 and 2 more transcripts); c.1603T>C, p.Tyr535His (NM_000646.3); c.1450T>C, p.Tyr484His (NM_001425327.1); c.1447T>C, p.Tyr483His (NM_001425328.1, NM_001425329.1); c.1273T>C, p.Tyr425His (NM_001425332.1); short protein forms Y535H, Y551H, Y425H, Y483H, Y484H.
Identifiers: ClinVar variation 1472987 (VCV001472987.5), dbSNP rs748270013, ClinGen allele CA966559.
Genomic context (GRCh38, chr1:99,879,962, plus strand): 5'-TTGTCACTGTGCTTTTTACAGTACATGTTGGATGCTGCTAGGAATTTGCAACCCAATTTA[T>C]ATGTAGTAGCTGAACTGTTCACAGGAAGTGAAGATCTGGACAATGTCTTTGTTACTAGAC-3'
Protein context (NP_000633.2, residues 541-561): DAARNLQPNL[Tyr551His]VVAELFTGSE